The following is an entry in ClinVar:

NM_018263.6(ASXL2):c.572A>G (p.Asn191Ser)

Gene: ASXL2 (ASXL transcriptional regulator 2; minus strand). Cytogenetic location: 2p23.3.
Variant type: single nucleotide variant.
Coding change: c.572A>G on transcript NM_018263.6 (MANE Select); coding-DNA position 572, A replaced by G.
Protein change: p.Asn191Ser; replaces asparagine 191 with serine.
Molecular consequence: missense variant. On other transcripts: 5 prime UTR variant (1).
Genome position (GRCh38, 1-based): chr2:25,768,801, T>C on the plus strand (A>G on the coding strand, the complement: ASXL2 is on the minus strand). VCF-style: chr2-25768801-T-C. GRCh37 (hg19) VCF-style: chr2-25991670-T-C.
Other names: c.398A>G, p.Asn133Ser (NM_001369346.1); c.-209A>G (NM_001369347.1); short protein forms N133S, N191S.
Identifiers: ClinVar variation 1298795 (VCV001298795.40), dbSNP rs2088397098, ClinGen allele CA346082287.

ClinVar aggregate classification (germline): Conflicting classifications of pathogenicity. Review status: criteria provided, conflicting classifications (1 of 4 stars). 3 submissions from 3 submitters: Uncertain significance (1); Benign (1); Likely benign (1). Last evaluated 2025-12-05.

Allele frequency attached by ClinVar (database versions not stated): gnomAD 0.00001.
gnomAD v4.1: 11 of 1,613,734 alleles (0.00068%); highest among the groups gnomAD compares: Middle Eastern, 0.016%; no homozygotes.

Submissions (3):

Women's Health and Genetics/Laboratory Corporation of America, LabCorp
Classification: Uncertain significance. Last evaluated: 2025-12-05. Review status: criteria provided, single submitter. Criteria: LabCorp Variant Classification Summary - May 2015. Collection method: clinical testing. Allele origin: germline.
Comment: Variant summary: ASXL2 c.572A>G (p.Asn191Ser) results in a conservative amino acid change in the encoded protein sequence. Algorithms developed to predict the effect of missense changes on protein structure and function are either unavailable or do not agree on the potential impact of this missense change. The frequency data for this variant in gnomAD is considered unreliable, as metrics indicate poor data quality at this position. To our knowledge, no occurrence of c.572A>G in individuals affected with ASXL2-related conditions and no experimental evidence demonstrating its impact on protein function have been reported. ClinVar contains an entry for this variant (Variation ID: 1298795). Based on the evidence outlined above, the variant was classified as uncertain significance.

CeGaT Center for Human Genetics Tuebingen
Classification: Likely benign. Last evaluated: 2024-07-01. Review status: criteria provided, single submitter. Criteria: CeGaT Center For Human Genetics Tuebingen Variant Classification Criteria Version 2. Collection method: clinical testing. Allele origin: germline. Affected: yes. Observed: 2 variant alleles.
Comment: ASXL2: BP1, BP4

Labcorp Genetics (formerly Invitae), Labcorp
Classification: Benign. Last evaluated: 2022-11-28. Review status: criteria provided, single submitter. Criteria: Invitae Variant Classification Sherloc (09022015). Collection method: clinical testing. Allele origin: germline.